The following is an entry in ClinVar:

ClinVar aggregate classification (germline): Pathogenic/Likely pathogenic. Review status: criteria provided, multiple submitters, no conflicts (2 of 4 stars). 5 submissions from 5 submitters: Pathogenic (2); Likely pathogenic (2). 1 of the submissions does not count toward it. Last evaluated 2026-08-26.

Conditions:
MERTK-related disorder. Also called: MERTK-related condition.
Retinal dystrophy. Also called: Inherited retinal dystrophy. Identifiers: Orphanet 71862, MedGen C0854723, MeSH D058499, MONDO:0019118, HP:0000556.
Retinitis pigmentosa (RP). Identifiers: Orphanet 791, MedGen C0035334, MeSH D012174, MONDO:0019200, OMIM 268000. Inheritance: Autosomal dominant, autosomal recessive and X linked inheritance.

Allele frequency attached by ClinVar (database versions not stated): TOPMed 0.00001; gnomAD 0.00002 and 0.00003; gnomAD exomes 0.00002 and 0.00003.
gnomAD v4.1: 39 of 1,572,336 alleles (0.0025%); highest among the groups gnomAD compares: East Asian, 0.0023%; no homozygotes.

Submissions (5):

PreventionGenetics, part of Exact Sciences
Classification: Likely pathogenic for MERTK-related condition. Last evaluated: 2026-08-26. Review status: criteria provided, single submitter. Criteria: ACMG Guidelines, 2015. Collection method: clinical testing. Allele origin: germline.
Comment: The MERTK c.2302G>A variant is predicted to result in the amino acid substitution p.Ala768Thr. This variant has been reported in the homozygous or compound heterozygous state in individuals with autosomal recessive inherited retinal disease (Supp. Table 5, Ellingford et al. 2016. PubMed ID: 27208204; Avela et al. 2017. PubMed ID: 29068140; Duzkale et al. 2021. PubMed ID: 34315337). This variant is reported in 0.014% of alleles in individuals of European (Finnish) descent in gnomAD. This variant is interpreted as likely pathogenic.

Labcorp Genetics (formerly Invitae), Labcorp
Classification: Pathogenic. Last evaluated: 2025-08-21. Review status: criteria provided, single submitter. Criteria: Invitae Variant Classification Sherloc (09022015). Collection method: clinical testing. Allele origin: germline.
Comment: This sequence change replaces alanine, which is neutral and non-polar, with threonine, which is neutral and polar, at codon 768 of the MERTK protein (p.Ala768Thr). This variant is present in population databases (no rsID available, gnomAD 0.01%). This missense change has been observed in individual(s) with retinitis pigmentosa (PMID: 27208204, 29068140, 34315337, 37510321; internal data). In at least one individual the data is consistent with being in trans (on the opposite chromosome) from a pathogenic variant. ClinVar contains an entry for this variant (Variation ID: 236453). Invitae Evidence Modeling of protein sequence and biophysical properties (such as structural, functional, and spatial information, amino acid conservation, physicochemical variation, residue mobility, and thermodynamic stability) indicates that this missense variant is expected to disrupt MERTK protein function with a positive predictive value of 80%. For these reasons, this variant has been classified as Pathogenic.

Blueprint Genetics
Classification: Pathogenic for MERTK-related disorders. Last evaluated: 2022-09-01. Review status: criteria provided, single submitter. Criteria: ACMG Guidelines, 2015. Collection method: clinical testing. Allele origin: germline. Affected: yes. Observed: 5 variant alleles.

Broad Center for Mendelian Genomics, Broad Institute of MIT and Harvard
Classification: Likely pathogenic for Retinitis pigmentosa. Last evaluated: 2021-04-01. Review status: criteria provided, single submitter. Criteria: ACMG Guidelines, 2015. Collection method: curation. Allele origin: germline. Inheritance: Autosomal recessive inheritance. Affected: yes.
Comment: Through a review of available evidence we were able to apply the following criteria: PM2, PP3, PM3-S. Based on this evidence we have classified this variant as Likely Pathogenic. If you have any questions about the classification please reach out to the Pierce Lab.

Centre for Genomic Medicine, Manchester, Central Manchester University Hospitals
Classification: Uncertain significance for Retinal dystrophy. Review status: no assertion criteria provided. Collection method: clinical testing. Allele origin: germline. Affected: yes. Not counted in ClinVar's aggregate classification.

Literature cited by the submitters: PubMed 27208204 (cited by Labcorp Genetics (formerly Invitae), Labcorp and Broad Center for Mendelian Genomics, Broad Institute of MIT and Harvard); PubMed 29068140 (cited by Labcorp Genetics (formerly Invitae), Labcorp and Broad Center for Mendelian Genomics, Broad Institute of MIT and Harvard); PubMed 34315337 (cited by Labcorp Genetics (formerly Invitae), Labcorp); PubMed 37510321 (cited by Labcorp Genetics (formerly Invitae), Labcorp); PubMed 34906470 (cited by Broad Center for Mendelian Genomics, Broad Institute of MIT and Harvard).

NM_006343.3(MERTK):c.2302G>A (p.Ala768Thr)

Gene: MERTK (MER proto-oncogene, tyrosine kinase; plus strand). Cytogenetic location: 2q13.
Variant type: single nucleotide variant.
Coding change: c.2302G>A on transcript NM_006343.3 (MANE Select); coding-DNA position 2302, G replaced by A.
Protein change: p.Ala768Thr; replaces alanine 768 with threonine.
Molecular consequence: missense variant.
Genome position (GRCh38, 1-based): chr2:112,021,534, G>A. VCF-style: chr2-112021534-G-A. GRCh37 (hg19) VCF-style: chr2-112779111-G-A.
Other names: short protein forms A768T.
Identifiers: ClinVar variation 236453 (VCV000236453.11), dbSNP rs878853353, ClinGen allele CA10581655.